The following is an entry in ClinVar:

NM_000051.4(ATM):c.7070T>A (p.Met2357Lys)

Genes: ATM (ATM serine/threonine kinase; plus strand), C11orf65 (chromosome 11 open reading frame 65; minus strand). Cytogenetic location: 11q22.3.
Variant type: single nucleotide variant.
Coding change: c.7070T>A on transcript NM_000051.4 (MANE Select); coding-DNA position 7070, T replaced by A.
Protein change: p.Met2357Lys; replaces methionine 2357 with lysine.
Molecular consequence: missense variant. On other transcripts: intron variant (2).
Genome position (GRCh38, 1-based): chr11:108,327,739, T>A. VCF-style: chr11-108327739-T-A. GRCh37 (hg19) VCF-style: chr11-108198466-T-A.
Other names: c.7070T>A, p.Met2357Lys (NM_001351834.2); c.641-18668A>T (NM_001330368.2); c.*38+7481A>T (NM_001351110.2); short protein forms M2357K.
Identifiers: ClinVar variation 2119226 (VCV002119226.4), dbSNP rs1591142855, ClinGen allele CA382559086.

ClinVar aggregate classification (germline): Uncertain significance (1 of 4 stars; one submission).

Conditions:
Ataxia-telangiectasia syndrome (AT). Also called: ATAXIA-TELANGIECTASIA, COMPLEMENTATION GROUP A; ATAXIA-TELANGIECTASIA, FRESNO VARIANT; Ataxia-telangiectasia; Ataxia-telangiectasia, complementation group E; LOUIS-BAR SYNDROME; Cerebello-oculocutaneous telangiectasia. Identifiers: Orphanet 100, MedGen C0004135, MONDO:0008840, OMIM 208900.

Submission:

Labcorp Genetics (formerly Invitae), Labcorp
Classification: Uncertain significance for Ataxia-telangiectasia syndrome. Last evaluated: 2022-04-19. Review status: criteria provided, single submitter. Criteria: Invitae Variant Classification Sherloc (09022015). Collection method: clinical testing. Allele origin: germline.
Comment: This variant is not present in population databases (gnomAD no frequency). This sequence change replaces methionine, which is neutral and non-polar, with lysine, which is basic and polar, at codon 2357 of the ATM protein (p.Met2357Lys). This variant has not been reported in the literature in individuals affected with ATM-related conditions. Algorithms developed to predict the effect of missense changes on protein structure and function are either unavailable or do not agree on the potential impact of this missense change (SIFT: "Deleterious"; PolyPhen-2: "Possibly Damaging"; Align-GVGD: "Class C0"). In summary, the available evidence is currently insufficient to determine the role of this variant in disease. Therefore, it has been classified as a Variant of Uncertain Significance.